The following is an entry in ClinVar:

NM_002528.7(NTHL1):c.758A>G (p.Glu253Gly)

Gene: NTHL1 (nth like DNA glycosylase 1; minus strand). Cytogenetic location: 16p13.3.
Variant type: single nucleotide variant.
Coding change: c.758A>G on transcript NM_002528.7 (MANE Select); coding-DNA position 758, A replaced by G.
Protein change: p.Glu253Gly; replaces glutamic acid 253 with glycine.
Molecular consequence: missense variant.
Genome position (GRCh38, 1-based): chr16:2,040,166, T>C on the plus strand (A>G on the coding strand, the complement: NTHL1 is on the minus strand). VCF-style: chr16-2040166-T-C. GRCh37 (hg19) VCF-style: chr16-2090167-T-C.
Other names: c.587A>G, p.Glu196Gly (NM_001318193.2); c.428A>G, p.Glu143Gly (NM_001318194.2); short protein forms E143G, E196G, E253G.
Identifiers: ClinVar variation 2830384 (VCV002830384.3), dbSNP rs2548311888, ClinGen allele CA394288855.

ClinVar aggregate classification (germline): Uncertain significance (1 of 4 stars; one submission).

Allele frequency attached by ClinVar (database versions not stated): gnomAD exomes below 0.00001.
gnomAD v4.1: 1 of 1,613,982 alleles (0.000062%); highest among the groups gnomAD compares: East Asian, 0.0022%; no homozygotes.

Submission:

Labcorp Genetics (formerly Invitae), Labcorp
Classification: Uncertain significance. Last evaluated: 2023-09-27. Review status: criteria provided, single submitter. Criteria: Invitae Variant Classification Sherloc (09022015). Collection method: clinical testing. Allele origin: germline.
Comment: An algorithm developed to predict the effect of missense changes on protein structure and function (PolyPhen-2) suggests that this variant is likely to be tolerated. This variant has not been reported in the literature in individuals affected with NTHL1-related conditions. This variant is not present in population databases (gnomAD no frequency). This sequence change replaces glutamic acid, which is acidic and polar, with glycine, which is neutral and non-polar, at codon 261 of the NTHL1 protein (p.Glu261Gly). In summary, the available evidence is currently insufficient to determine the role of this variant in disease. Therefore, it has been classified as a Variant of Uncertain Significance.